The following is an entry in ClinVar:

NM_001077350.3(NPRL3):c.85C>T (p.Gln29Ter)

Genes: HBA-LCR (alpha-globin locus control region; plus strand), NPRL3 (NPR3 like, GATOR1 complex subunit; minus strand). Cytogenetic location: 16p13.3.
Variant type: single nucleotide variant.
Coding change: c.85C>T on transcript NM_001077350.3 (MANE Select); coding-DNA position 85, C replaced by T.
Protein change: p.Gln29Ter; replaces glutamine 29 with a stop codon.
Molecular consequence: nonsense. On other transcripts: 5 prime UTR variant (2).
Genome position (GRCh38, 1-based): chr16:138,183, G>A on the plus strand (C>T on the coding strand, the complement: NPRL3 is on the minus strand). VCF-style: chr16-138183-G-A. GRCh37 (hg19) VCF-style: chr16-188182-G-A.
Other names: c.-248C>T (NM_001039476.3); c.-287C>T (NM_001243247.2); c.85C>T, p.Gln29Ter (NM_001243248.2, NM_001243249.2); short protein forms Q29*.
Identifiers: ClinVar variation 2195611 (VCV002195611.4), dbSNP rs1021394339, ClinGen allele CA393999549.
Genomic context (GRCh38, chr16:138,183, plus strand): 5'-CCAGGCCCCCGCCCAGCGCTCACTTACTTGTCTGGGACGCCGGGTGCTCCTGGCTTCTCT[G>A]GAAGGGGTACCTGAACAGCAGCTTATTGCCCCTGCTCCCCGAGCTCACCAGAATCACGCT-3'

ClinVar aggregate classification (germline): Pathogenic (1 of 4 stars; one submission).

Conditions:
Epilepsy, familial focal, with variable foci 3 (FFEVF3). Identifiers: MedGen C4310708, MONDO:0014925, OMIM 617118.

Submission:

Labcorp Genetics (formerly Invitae), Labcorp
Classification: Pathogenic for Epilepsy, familial focal, with variable foci 3. Last evaluated: 2024-10-22. Review status: criteria provided, single submitter. Criteria: Invitae Variant Classification Sherloc (09022015). Collection method: clinical testing. Allele origin: germline.
Comment: This sequence change creates a premature translational stop signal (p.Gln29*) in the NPRL3 gene. It is expected to result in an absent or disrupted protein product. Loss-of-function variants in NPRL3 are known to be pathogenic (PMID: 26285051, 26505888). This variant is not present in population databases (gnomAD no frequency). This variant has not been reported in the literature in individuals affected with NPRL3-related conditions. ClinVar contains an entry for this variant (Variation ID: 2195611). Algorithms developed to predict the effect of sequence changes on RNA splicing suggest that this variant may disrupt the consensus splice site. For these reasons, this variant has been classified as Pathogenic.

Literature cited by the submitters: PubMed 26285051; PubMed 26505888.